The following is an entry in ClinVar:

ClinVar aggregate classification (germline): Conflicting classifications of pathogenicity. Review status: criteria provided, conflicting classifications (1 of 4 stars). 8 submissions from 8 submitters: Pathogenic (2); Likely pathogenic (3); Uncertain significance (3). Last evaluated 2026-04-06.

Conditions:
Distal arthrogryposis type 5D (DA5D). Identifiers: Orphanet 329457, MedGen C3554415, MONDO:0014028, OMIM 615065.
Arthrogryposis multiplex congenita (AMC). Also called: Congenital multiple arthrogryposis; Fibrous ankylosis of multiple joints; Congenital arthromyodysplasia; Myodystrophia fetalis deformans; Otto syndrome; Rocher-Sheldon syndrome. Identifiers: Orphanet 1037, MedGen C5779613, MeSH D001176, MONDO:0015168, HP:0002804.
ECEL1-related disorder. Also called: ECEL1-related condition.
Inborn genetic diseases. Identifiers: MedGen C0950123, MeSH D030342.

Allele frequency attached by ClinVar (database versions not stated): gnomAD exomes 0.00001 and 0.00004; ExAC 0.00007.
gnomAD v4.1: 14 of 1,575,010 alleles (0.00089%); highest among the groups gnomAD compares: Middle Eastern, 0.018%; no homozygotes.

Submissions (8):

PreventionGenetics, part of Exact Sciences
Classification: Pathogenic for ECEL1-related condition. Last evaluated: 2026-04-06. Review status: criteria provided, single submitter. Criteria: ACMG Guidelines, 2015. Collection method: clinical testing. Allele origin: germline.
Comment: The ECEL1 c.494T>C variant is predicted to result in the amino acid substitution p.Leu165Pro. This variant has been reported in the homozygous and compound heterozygous states in at least five individuals with distal arthrogryposis type 5D (Al-Dewik et al 2019. PubMed ID: 30919572; Lindstrand et al. 2019. PubMed ID: 31694722; Stranneheim et al. 2021. PubMed ID: 33726816; Mone et al. 2022. PubMed ID: 34940998; Khan et al. 2022. PubMed ID: 36002593). This variant is reported in 0.027% of alleles in individuals of South Asian descent in gnomAD. It has also been observed in the homozygous state in three affected individuals tested at PreventionGenetics (internal data). This variant is interpreted as pathogenic.

3billion
Classification: Likely pathogenic for Distal arthrogryposis type 5D. Last evaluated: 2025-02-28. Review status: criteria provided, single submitter. Criteria: ACMG Guidelines, 2015. Collection method: clinical testing. Allele origin: germline. Affected: yes.
Comment: The variant is observed at an extremely low frequency in the gnomAD v4.1.0 dataset (total allele frequency: <0.001%). Predicted Consequence/Location: Missense variant In silico tool predictions suggest damaging effect of the variant on gene or gene product [REVEL: 0.84 (>=0.6, sensitivity 0.68 and specificity 0.92)]. The same nucleotide change resulting in the same amino acid change has been previously reported as pathogenic/likely pathogenic with strong evidence (ClinVar ID: VCV000521056 /PMID: 30919572). Therefore, this variant is classified as Likely pathogenic according to the recommendation of ACMG/AMP guideline.

GeneDx
Classification: Pathogenic. Last evaluated: 2025-01-10. Review status: criteria provided, single submitter. Criteria: GeneDx Variant Classification Process June 2021. Collection method: clinical testing. Allele origin: germline. Affected: yes.
Comment: In silico analysis supports that this missense variant has a deleterious effect on protein structure/function; This variant is associated with the following publications: (PMID: 25099528, 37273706, 25708584, 24782201, 23261301, 23236030, 34940998, 30919572, 33726816, 36002593, 31694722)

Institute of Human Genetics Munich, TUM University Hospital
Classification: Likely pathogenic for Distal arthrogryposis type 5D. Last evaluated: 2024-05-15. Review status: criteria provided, single submitter. Criteria: Classification criteria August 2017. Collection method: clinical testing. Allele origin: inherited. Inheritance: Autosomal recessive inheritance. Affected: yes. Observed: 1 variant allele.

Ambry Genetics
Classification: Likely pathogenic for Inborn genetic diseases. Last evaluated: 2020-11-16. Review status: criteria provided, single submitter. Criteria: Ambry Variant Classification Scheme 2023. Collection method: clinical testing. Allele origin: germline.
Comment: The c.494T>C (p.L165P) alteration is located in exon 2 (coding exon 1) of the ECEL1 gene. This alteration results from a T to C substitution at nucleotide position 494, causing the leucine (L) at amino acid position 165 to be replaced by a proline (P). Based on data from the Genome Aggregation Database (gnomAD) database, the ECEL1 c.494T>C alteration was observed in 0.004% (7/183120) of total alleles studied, with a frequency of 0.03% (7/25980) in the South Asian subpopulation. This alteration has been detected in the homozygous state multiple patients with a clinical phenotype consistent with ECEL1-related multiple congenital contractures (Ambry internal data; North Thames Genomic Laboratory Hub personal communication). In addition, this alteration was reported in trans with a second missense variant in a patient with distal arthrogryposis (Lindstrand, 2019). This amino acid position is conserved in available mammalian species. The p.L165P alteration is predicted to be deleterious by in silico analysis. Based on the available evidence, this alteration is classified as likely pathogenic.

Revvity Omics, Revvity
Classification: Uncertain significance for Distal arthrogryposis type 5D. Last evaluated: 2020-08-06. Review status: criteria provided, single submitter. Criteria: ACMG Guidelines, 2015. Collection method: clinical testing. Allele origin: germline.

CENTOGENE GmbH and LLC - Guiding Precision Medicine
Classification: Uncertain significance for Distal arthrogryposis type 5D. Last evaluated: 2020-02-27. Review status: criteria provided, single submitter. Criteria: ACMG Guidelines, 2015. Collection method: clinical testing. Allele origin: germline. Affected: yes.

Rare Disease Group, Clinical Genetics, Karolinska Institutet
Classification: Uncertain significance for Arthrogryposis. Last evaluated: 2019-04-09. Review status: criteria provided, single submitter. Criteria: ACMG Guidelines, 2015. Collection method: clinical testing. Allele origin: germline. Affected: yes.

Literature cited by the submitters: PubMed 30919572 (cited by 3billion); PubMed 31694722 (cited by Ambry Genetics).

NM_004826.4(ECEL1):c.494T>C (p.Leu165Pro)

Gene: ECEL1 (endothelin converting enzyme like 1; minus strand). Cytogenetic location: 2q37.1.
Variant type: single nucleotide variant.
Coding change: c.494T>C on transcript NM_004826.4 (MANE Select); coding-DNA position 494, T replaced by C.
Protein change: p.Leu165Pro; replaces leucine 165 with proline.
Molecular consequence: missense variant.
Genome position (GRCh38, 1-based): chr2:232,486,160, A>G on the plus strand (T>C on the coding strand, the complement: ECEL1 is on the minus strand). VCF-style: chr2-232486160-A-G. GRCh37 (hg19) VCF-style: chr2-233350870-A-G.
Other names: c.494T>C, p.Leu165Pro (NM_001290787.2); c.494T>C (NM_004826.3); short protein forms L165P.
Identifiers: ClinVar variation 521056 (VCV000521056.23), dbSNP rs765305996, ClinGen allele CA2167588.